The following is an entry in ClinVar:

NM_020822.3(KCNT1):c.1036-168C>G

Gene: KCNT1 (potassium sodium-activated channel subfamily T member 1; plus strand). Cytogenetic location: 9q34.3.
Variant type: single nucleotide variant.
Coding change: c.1036-168C>G on transcript NM_020822.3 (MANE Select); 168 bases into the intron before coding-DNA position 1036, C replaced by G.
Molecular consequence: intron variant.
Genome position (GRCh38, 1-based): chr9:135,764,863, C>G. VCF-style: chr9-135764863-C-G. GRCh37 (hg19) VCF-style: chr9-138656709-C-G.
Other names: c.901-168C>G (NM_001272003.2).
Identifiers: ClinVar variation 677344 (VCV000677344.1), dbSNP rs114063333, ClinGen allele CA201464935.

ClinVar aggregate classification (germline): Likely benign (1 of 4 stars; one submission).

Allele frequency attached by ClinVar (database versions not stated): gnomAD 0.01220 and 0.01305; TOPMed 0.01334; 1000 Genomes Project 0.01438; 1000 Genomes Project 30x 0.01483.
gnomAD v4.1: 1,840 of 152,278 alleles (1.2%); highest among the groups gnomAD compares: African/African-American, 4.2%; 32 homozygotes.

Submission:

GeneDx
Classification: Likely benign. Last evaluated: 2018-06-14. Review status: criteria provided, single submitter. Criteria: GeneDx Variant Classification (06012015). Collection method: clinical testing. Allele origin: germline. Affected: yes.
Comment: This variant is considered likely benign or benign based on one or more of the following criteria: it is a conservative change, it occurs at a poorly conserved position in the protein, it is predicted to be benign by multiple in silico algorithms, and/or has population frequency not consistent with disease.